The following is an entry in ClinVar:

ClinVar aggregate classification (germline): other (0 of 4 stars; one submission).

Conditions:
Familial colorectal cancer. Identifiers: MedGen CN280943, MONDO:0023113. Disease mechanism: loss of function.

Allele frequency attached by ClinVar (database versions not stated): TOPMed 0.00002.

Submission:

Systems Biology Platform Zhejiang California International NanoSystems Institute
Classification: other for Familial colorectal cancer. Review status: no assertion criteria provided. Collection method: not provided. Allele origin: unknown.
ClinVar note: Converted during submission from cancer to other.

NM_000038.6(APC):c.645+792C>A

Gene: APC (APC regulator of WNT signaling pathway; plus strand). Cytogenetic location: 5q22.2.
Variant type: single nucleotide variant.
Coding change: c.645+792C>A on transcript NM_000038.6 (MANE Select); 792 bases into the intron after coding-DNA position 645, C replaced by A.
Molecular consequence: intron variant.
Genome position (GRCh38, 1-based): chr5:112,781,695, C>A. VCF-style: chr5-112781695-C-A. GRCh37 (hg19) VCF-style: chr5-112117392-C-A.
Other names: c.645+792C>A (NM_001354895.2, NM_001127510.3, NM_001354896.2 and 2 more transcripts); c.675+792C>A (NM_001354897.2, NM_001354902.2, NM_001127511.3); c.570+792C>A (NM_001354898.2, NM_001354904.2); c.-391+792C>A (NM_001354906.2); c.468+792C>A (NM_001354900.2, NM_001354901.2, NM_001354905.2).
Identifiers: ClinVar variation 82943 (VCV000082943.2), dbSNP rs79762598, ClinGen allele CA011621.